The following is an entry in ClinVar:

NM_006904.7(PRKDC):c.2371G>T (p.Asp791Tyr)

Gene: PRKDC (protein kinase, DNA-activated, catalytic subunit; minus strand). Cytogenetic location: 8q11.21.
Variant type: single nucleotide variant.
Coding change: c.2371G>T on transcript NM_006904.7 (MANE Select); coding-DNA position 2371, G replaced by T.
Protein change: p.Asp791Tyr; replaces aspartic acid 791 with tyrosine.
Molecular consequence: missense variant.
Genome position (GRCh38, 1-based): chr8:47,927,242, C>A on the plus strand (G>T on the coding strand, the complement: PRKDC is on the minus strand). VCF-style: chr8-47927242-C-A. GRCh37 (hg19) VCF-style: chr8-48839802-C-A.
Other names: c.2371G>T, p.Asp791Tyr (NM_001081640.2); short protein forms D791Y.
Identifiers: ClinVar variation 1346451 (VCV001346451.6), dbSNP rs2154503405, ClinGen allele CA371161740.

ClinVar aggregate classification (germline): Uncertain significance (1 of 4 stars; one submission).

Conditions:
Severe combined immunodeficiency due to DNA-PKcs deficiency. Also called: IMMUNODEFICIENCY 26 WITH NEUROLOGIC ABNORMALITIES; Immunodeficiency 26 with or without neurologic abnormalities. Identifiers: Orphanet 317425, MedGen C4014833, MONDO:0014423, OMIM 615966.

Submission:

Labcorp Genetics (formerly Invitae), Labcorp
Classification: Uncertain significance for Severe combined immunodeficiency due to DNA-PKcs deficiency. Last evaluated: 2021-10-22. Review status: criteria provided, single submitter. Criteria: Invitae Variant Classification Sherloc (09022015). Collection method: clinical testing. Allele origin: germline.
Comment: This sequence change replaces aspartic acid with tyrosine at codon 791 of the PRKDC protein (p.Asp791Tyr). The aspartic acid residue is moderately conserved and there is a large physicochemical difference between aspartic acid and tyrosine. In summary, the available evidence is currently insufficient to determine the role of this variant in disease. Therefore, it has been classified as a Variant of Uncertain Significance. Experimental studies and prediction algorithms are not available or were not evaluated, and the functional significance of this variant is currently unknown. This variant has not been reported in the literature in individuals affected with PRKDC-related conditions. This variant is not present in population databases (ExAC no frequency).